The following is an entry in ClinVar:

ClinVar aggregate classification (germline): Uncertain significance (1 of 4 stars; one submission).

Submission:

Ambry Genetics
Classification: Uncertain significance. Last evaluated: 2024-09-18. Review status: criteria provided, single submitter. Criteria: Ambry Variant Classification Scheme 2023. Collection method: clinical testing. Allele origin: germline.
Comment: The p.A1224V variant (also known as c.3671C>T), located in coding exon 33 of the KIF1B gene, results from a C to T substitution at nucleotide position 3671. The alanine at codon 1224 is replaced by valine, an amino acid with similar properties. This amino acid position is conserved. In addition, the in silico prediction for this alteration is inconclusive. Based on the available evidence, the clinical significance of this variant remains unclear.

NM_001365951.3(KIF1B):c.3809C>T (p.Ala1270Val)

Gene: KIF1B (kinesin family member 1B; plus strand). Cytogenetic location: 1p36.22.
Variant type: single nucleotide variant.
Coding change: c.3809C>T on transcript NM_001365951.3 (MANE Select); coding-DNA position 3809, C replaced by T.
Protein change: p.Ala1270Val; replaces alanine 1270 with valine.
Molecular consequence: missense variant.
Genome position (GRCh38, 1-based): chr1:10,347,772, C>T. VCF-style: chr1-10347772-C-T. GRCh37 (hg19) VCF-style: chr1-10407830-C-T.
Other names: c.3809C>T, p.Ala1270Val (NM_001365952.1); c.3671C>T, p.Ala1224Val (NM_015074.3); short protein forms A1270V, A1224V.
Identifiers: ClinVar variation 3534025 (VCV003534025.1).
Genomic context (GRCh38, chr1:10,347,772, plus strand): 5'-TGCAGATGAAGTAGCACTTAGTTTTTTCTTTTGCGTTTCTATTTTTTAGGTATATCCCAG[C>T]TGTGGTTGACCACACAGCAGGCTTGCCTTGCCAGGGGACATTTTTGCTTCATCAGGTACT-3'
Protein context (NP_001352880.1, residues 1260-1280): ELEPTGEYIP[Ala1270Val]VVDHTAGLPC